The following is an entry in ClinVar:

NM_000260.4(MYO7A):c.3109-20A>G

Gene: MYO7A (myosin VIIA; plus strand). Cytogenetic location: 11q13.5.
Variant type: single nucleotide variant.
Coding change: c.3109-20A>G on transcript NM_000260.4 (MANE Select); 20 bases into the intron before coding-DNA position 3109, A replaced by G.
Molecular consequence: intron variant.
Genome position (GRCh38, 1-based): chr11:77,182,404, A>G. VCF-style: chr11-77182404-A-G. GRCh37 (hg19) VCF-style: chr11-76893449-A-G.
Other names: c.3076-20A>G (NM_001369365.1); c.3109-20A>G (NM_001127180.2).
Identifiers: ClinVar variation 2705594 (VCV002705594.3), dbSNP rs2497230924, ClinGen allele CA2615257469.

ClinVar aggregate classification (germline): Uncertain significance (1 of 4 stars; one submission).

Submission:

Labcorp Genetics (formerly Invitae), Labcorp
Classification: Uncertain significance. Last evaluated: 2023-12-26. Review status: criteria provided, single submitter. Criteria: Invitae Variant Classification Sherloc (09022015). Collection method: clinical testing. Allele origin: germline.
Comment: This sequence change falls in intron 24 of the MYO7A gene. It does not directly change the encoded amino acid sequence of the MYO7A protein. This variant is not present in population databases (gnomAD no frequency). This variant has not been reported in the literature in individuals affected with MYO7A-related conditions. Algorithms developed to predict the effect of sequence changes on RNA splicing suggest that this variant may disrupt the consensus splice site. In summary, the available evidence is currently insufficient to determine the role of this variant in disease. Therefore, it has been classified as a Variant of Uncertain Significance.